The following is an entry in ClinVar:

ClinVar aggregate classification (germline): Uncertain significance (1 of 4 stars; one submission).

Submission:

Labcorp Genetics (formerly Invitae), Labcorp
Classification: Uncertain significance. Last evaluated: 2025-10-26. Review status: criteria provided, single submitter. Criteria: Invitae Variant Classification Sherloc (09022015). Collection method: clinical testing. Allele origin: germline.
Comment: This sequence change replaces alanine, which is neutral and non-polar, with threonine, which is neutral and polar, at codon 134 of the KIF20A protein (p.Ala134Thr). This variant is not present in population databases (gnomAD no frequency). This variant has not been reported in the literature in individuals affected with KIF20A-related conditions. An algorithm developed to predict the effect of missense changes on protein structure and function (PolyPhen-2) suggests that this variant is likely to be tolerated. In summary, the available evidence is currently insufficient to determine the role of this variant in disease. Therefore, it has been classified as a Variant of Uncertain Significance.

NM_005733.3(KIF20A):c.400G>A (p.Ala134Thr)

Gene: KIF20A (kinesin family member 20A; plus strand). Cytogenetic location: 5q31.2.
Variant type: single nucleotide variant.
Coding change: c.400G>A on transcript NM_005733.3 (MANE Select); coding-DNA position 400, G replaced by A.
Protein change: p.Ala134Thr; replaces alanine 134 with threonine.
Molecular consequence: missense variant.
Genome position (GRCh38, 1-based): chr5:138,182,347, G>A. VCF-style: chr5-138182347-G-A. GRCh37 (hg19) VCF-style: chr5-137518036-G-A.
Other names: short protein forms A134T.
Identifiers: ClinVar variation 4780778 (VCV004780778.1).
Genomic context (GRCh38, chr5:138,182,347, plus strand): 5'-AAGGAGAGGCCTCTAAAAAACTGGGTCTCTCTCTAGATCTTTGGGCCAGAAGTGGGACAG[G>A]CATCCTTCTTCAACCTAACTGTGAAGGAGATGGTAAAGGATGTACTCAAAGGGCAGAACT-3'
Protein context (NP_005724.1, residues 124-144): SQIFGPEVGQ[Ala134Thr]SFFNLTVKEM